The following is an entry in ClinVar:

ClinVar aggregate classification (germline): Benign/Likely benign. Review status: criteria provided, multiple submitters, no conflicts (2 of 4 stars). 3 submissions from 3 submitters: Benign (1); Likely benign (2). Last evaluated 2025-01-07.

Conditions:
Hereditary cancer-predisposing syndrome. Also called: Tumor predisposition; Hereditary Cancer Syndrome; Neoplastic Syndromes, Hereditary; Hereditary neoplastic syndrome. Identifiers: Orphanet 140162, MedGen C0027672, MeSH D009386, MONDO:0015356.
Familial cancer of breast. Also called: BREAST CANCER, FAMILIAL; Hereditary breast cancer; hereditary breast carcinoma. Identifiers: Orphanet 227535, MedGen C0346153, MONDO:0016419, OMIM 114480. Disease mechanism: loss of function.

Allele frequency attached by ClinVar (database versions not stated): gnomAD exomes below 0.00001.
gnomAD v4.1: 1 of 1,612,340 alleles (0.000062%); highest among the groups gnomAD compares: Non-Finnish European, 0.000085%; no homozygotes.

Submissions (3):

Labcorp Genetics (formerly Invitae), Labcorp
Classification: Likely benign for Familial cancer of breast. Last evaluated: 2025-01-07. Review status: criteria provided, single submitter. Criteria: Invitae Variant Classification Sherloc (09022015). Collection method: clinical testing. Allele origin: germline.

Myriad Genetics, Inc.
Classification: Benign for Familial cancer of breast. Last evaluated: 2024-07-23. Review status: criteria provided, single submitter. Criteria: Myriad Autosomal Dominant, Autosomal Recessive and X-Linked Classification Criteria (2023). Collection method: clinical testing. Allele origin: unknown.
Comment: This variant is considered benign. This variant is a silent/synonymous amino acid change and it is not expected to impact splicing.

Ambry Genetics
Classification: Likely benign for Hereditary cancer-predisposing syndrome. Last evaluated: 2019-07-21. Review status: criteria provided, single submitter. Criteria: Ambry Variant Classification Scheme 2023. Collection method: clinical testing. Allele origin: germline.

NM_000465.4(BARD1):c.844T>C (p.Leu282=)

Gene: BARD1 (BRCA1 associated RING domain 1; minus strand). Cytogenetic location: 2q35.
Variant type: single nucleotide variant.
Coding change: c.844T>C on transcript NM_000465.4 (MANE Select); coding-DNA position 844, T replaced by C.
Protein change: p.Leu282=; no amino-acid change (leucine 282 retained).
Molecular consequence: synonymous variant. On other transcripts: non-coding transcript variant (2), intron variant (3).
Genome position (GRCh38, 1-based): chr2:214,781,030, A>G on the plus strand (T>C on the coding strand, the complement: BARD1 is on the minus strand). VCF-style: chr2-214781030-A-G. GRCh37 (hg19) VCF-style: chr2-215645754-A-G.
Other names: c.787T>C, p.Leu263= (NM_001282543.2); c.158+28382T>C (NM_001282548.2); c.215+16031T>C (NM_001282545.2); c.364+11267T>C (NM_001282549.2).
Identifiers: ClinVar variation 822452 (VCV000822452.8), dbSNP rs1574819001, ClinGen allele CA431391943.